The following is an entry in ClinVar:

NM_206933.4(USH2A):c.3698C>G (p.Pro1233Arg)

Genes: USH2A (usherin; minus strand), USH2A-AS1 (USH2A antisense RNA 1; plus strand). Cytogenetic location: 1q41.
Variant type: single nucleotide variant.
Coding change: c.3698C>G on transcript NM_206933.4 (MANE Select); coding-DNA position 3698, C replaced by G.
Protein change: p.Pro1233Arg; replaces proline 1233 with arginine.
Molecular consequence: missense variant.
Genome position (GRCh38, 1-based): chr1:216,199,740, G>C on the plus strand (C>G on the coding strand, the complement: USH2A is on the minus strand). VCF-style: chr1-216199740-G-C. GRCh37 (hg19) VCF-style: chr1-216373082-G-C.
Other names: c.3698C>G, p.Pro1233Arg (NM_007123.6); short protein forms P1233R.
Identifiers: ClinVar variation 1465559 (VCV001465559.6), dbSNP rs2102466478, ClinGen allele CA344867871.

ClinVar aggregate classification (germline): Uncertain significance (1 of 4 stars; one submission).

Allele frequency attached by ClinVar (database versions not stated): gnomAD exomes below 0.00001.
gnomAD v4.1: 2 of 1,614,066 alleles (0.00012%); highest among the groups gnomAD compares: Non-Finnish European, 0.00017%; no homozygotes.

Submission:

Labcorp Genetics (formerly Invitae), Labcorp
Classification: Uncertain significance. Last evaluated: 2022-08-05. Review status: criteria provided, single submitter. Criteria: Invitae Variant Classification Sherloc (09022015). Collection method: clinical testing. Allele origin: germline.
Comment: This variant has not been reported in the literature in individuals affected with USH2A-related conditions. In summary, the available evidence is currently insufficient to determine the role of this variant in disease. Therefore, it has been classified as a Variant of Uncertain Significance. Algorithms developed to predict the effect of missense changes on protein structure and function are either unavailable or do not agree on the potential impact of this missense change (SIFT: "Deleterious"; PolyPhen-2: "Probably Damaging"; Align-GVGD: "Class C0"). ClinVar contains an entry for this variant (Variation ID: 1465559). This variant is not present in population databases (gnomAD no frequency). This sequence change replaces proline, which is neutral and non-polar, with arginine, which is basic and polar, at codon 1233 of the USH2A protein (p.Pro1233Arg).